The following is an entry in ClinVar:

NM_021252.5(RAB18):c.174A>G (p.Lys58=)

Gene: RAB18 (RAB18, member RAS oncogene family; plus strand). Cytogenetic location: 10p12.1.
Variant type: single nucleotide variant.
Coding change: c.174A>G on transcript NM_021252.5 (MANE Select); coding-DNA position 174, A replaced by G.
Protein change: p.Lys58=; no amino-acid change (lysine 58 retained).
Molecular consequence: synonymous variant.
Genome position (GRCh38, 1-based): chr10:27,526,877, A>G. VCF-style: chr10-27526877-A-G. GRCh37 (hg19) VCF-style: chr10-27815806-A-G.
Other names: c.174A>G, p.Lys58= (NM_001256410.2, NM_001256411.2, NM_001256412.2).
Identifiers: ClinVar variation 3041076 (VCV003041076.3), dbSNP rs187076438, ClinGen allele CA5452255.
Genomic context (GRCh38, chr10:27,526,877, plus strand): 5'-ATTTCTTTAAGGTGTTGACTTTAAGGTGAAAACAATTTCAGTGGATGGAAATAAGGCTAA[A>G]CTTGCAATATGGGTAAGAGTTTTTAAAATGTATTTTTAAAATATTAAACTTTACTTTTTA-3'
Protein context (NP_067075.1, residues 48-68): KTISVDGNKA[Lys58=]LAIWDTAGQE

ClinVar aggregate classification (germline): Likely benign. Review status: criteria provided, single submitter (1 of 4 stars). 2 submissions from 2 submitters: Likely benign (1). 1 of the submissions does not count toward it. Last evaluated 2025-10-21.

Conditions:
RAB18-related disorder. Also called: RAB18-related condition.

Allele frequency attached by ClinVar (database versions not stated): ExAC 0.00004; ESP Exome Variant Server 0.00008; 1000 Genomes Project 30x 0.00016; 1000 Genomes Project 0.00020.
gnomAD v4.1: 23 of 1,613,068 alleles (0.0014%); highest among the groups gnomAD compares: Middle Eastern, 0.033%; no homozygotes.

Submissions (2):

Labcorp Genetics (formerly Invitae), Labcorp
Classification: Likely benign. Last evaluated: 2025-10-21. Review status: criteria provided, single submitter. Criteria: Invitae Variant Classification Sherloc (09022015). Collection method: clinical testing. Allele origin: germline.

PreventionGenetics, part of Exact Sciences
Classification: Likely benign for RAB18-related condition. Last evaluated: 2019-10-28. Review status: no assertion criteria provided. Collection method: clinical testing. Allele origin: germline. Not counted in ClinVar's aggregate classification.
Comment: This variant is classified as likely benign based on ACMG/AMP sequence variant interpretation guidelines (Richards et al. 2015 PMID: 25741868, with internal and published modifications).